The following is an entry in ClinVar:

NM_004595.5(SMS):c.886A>G (p.Arg296Gly)

Gene: SMS (spermine synthase; plus strand). Cytogenetic location: Xp22.11.
Variant type: single nucleotide variant.
Coding change: c.886A>G on transcript NM_004595.5 (MANE Select); coding-DNA position 886, A replaced by G.
Protein change: p.Arg296Gly; replaces arginine 296 with glycine.
Molecular consequence: missense variant.
Genome position (GRCh38, 1-based): chrX:21,985,164, A>G. VCF-style: chrX-21985164-A-G. GRCh37 (hg19) VCF-style: chrX-22003282-A-G.
Other names: c.727A>G, p.Arg243Gly (NM_001258423.2); short protein forms R243G, R296G.
Identifiers: ClinVar variation 4278770 (VCV004278770.1).

ClinVar aggregate classification (germline): Uncertain significance (1 of 4 stars; one submission).

Submission:

GeneDx
Classification: Uncertain significance. Last evaluated: 2025-04-02. Review status: criteria provided, single submitter. Criteria: GeneDx Variant Classification Process June 2021. Collection method: clinical testing. Allele origin: germline. Affected: yes.
Comment: Not observed at significant frequency in large population cohorts (gnomAD); In silico analysis supports that this missense variant has a deleterious effect on protein structure/function; Has not been previously published as pathogenic or benign to our knowledge